The following is an entry in ClinVar:

NM_024642.5(GALNT12):c.34C>T (p.Arg12Trp)

Gene: GALNT12 (polypeptide N-acetylgalactosaminyltransferase 12; plus strand). Cytogenetic location: 9q22.33.
Variant type: single nucleotide variant.
Coding change: c.34C>T on transcript NM_024642.5 (MANE Select); coding-DNA position 34, C replaced by T.
Protein change: p.Arg12Trp; replaces arginine 12 with tryptophan.
Molecular consequence: missense variant.
Genome position (GRCh38, 1-based): chr9:98,807,732, C>T. VCF-style: chr9-98807732-C-T. GRCh37 (hg19) VCF-style: chr9-101570014-C-T.
Other names: short protein forms R12W.
Identifiers: ClinVar variation 3518480 (VCV003518480.1).

ClinVar aggregate classification (germline): Uncertain significance (1 of 4 stars; one submission).

gnomAD v4.1: 1 of 1,187,074 alleles (0.000084%); highest among the groups gnomAD compares: Admixed American, 0.004%; no homozygotes.

Submission:

Ambry Genetics
Classification: Uncertain significance. Last evaluated: 2024-07-13. Review status: criteria provided, single submitter. Criteria: Ambry Variant Classification Scheme 2023. Collection method: clinical testing. Allele origin: germline.
Comment: The p.R12W variant (also known as c.34C>T), located in coding exon 1 of the GALNT12 gene, results from a C to T substitution at nucleotide position 34. The arginine at codon 12 is replaced by tryptophan, an amino acid with dissimilar properties. This amino acid position is conserved. In addition, this alteration is predicted to be tolerated by in silico analysis. Based on the available evidence, the clinical significance of this variant remains unclear.